The following is an entry in ClinVar:

NM_024422.6(DSC2):c.1596C>T (p.Ser532=)

Gene: DSC2 (desmocollin 2; minus strand). Cytogenetic location: 18q12.1.
Variant type: single nucleotide variant.
Coding change: c.1596C>T on transcript NM_024422.6 (MANE Select); coding-DNA position 1596, C replaced by T.
Protein change: p.Ser532=; no amino-acid change (serine 532 retained).
Molecular consequence: synonymous variant.
Genome position (GRCh38, 1-based): chr18:31,079,914, G>A on the plus strand (C>T on the coding strand, the complement: DSC2 is on the minus strand). VCF-style: chr18-31079914-G-A. GRCh37 (hg19) VCF-style: chr18-28659880-G-A.
Other names: c.1596C>T, p.Ser532= (NM_004949.5).
Identifiers: ClinVar variation 1104968 (VCV001104968.13), dbSNP rs1387501743, ClinGen allele CA503527320.
Genomic context (GRCh38, chr18:31,079,914, plus strand): 5'-TGATGCAAGGACTGTAATATTATATATGCCATTTTTGATGGTCTCTGCCTCTCTATCCAG[G>A]CTTCTGAAAACTTTGATTGATCCTGTATTTTCATCAATGGTGACCCACCCTGTTGGATCA-3'
Protein context (NP_077740.1, residues 522-542): ENTGSIKVFR[Ser532=]LDREAETIKN

ClinVar aggregate classification (germline): Likely benign. Review status: criteria provided, multiple submitters, no conflicts (2 of 4 stars). 4 submissions from 4 submitters: Likely benign (4). Last evaluated 2025-11-17.

Conditions:
Cardiovascular phenotype. Identifiers: MedGen CN230736.
Familial isolated arrhythmogenic right ventricular dysplasia. Identifiers: Orphanet 217656, MedGen C4274968, MONDO:0016342.
Cardiomyopathy (CMYO). Also called: Cardiomyopathies. Identifiers: Orphanet 167848, MedGen C0878544, MONDO:0004994, HP:0001638. Inheritance: Various modes of inheritance.
Arrhythmogenic right ventricular dysplasia 11. Also called: Arrhythmogenic Right Ventricular Dysplasia/Cardiomyopathy11; ARRHYTHMOGENIC RIGHT VENTRICULAR DYSPLASIA, FAMILIAL, 11; Arrhythmogenic right ventricular dysplasia 11 with mild palmoplantar keratoderma and woolly hair. Identifiers: MedGen C1864850, MONDO:0012506, OMIM 610476.

Allele frequency attached by ClinVar (database versions not stated): TOPMed 0.00001; gnomAD exomes 0.00001.

Submissions (4):

Labcorp Genetics (formerly Invitae), Labcorp
Classification: Likely benign for Arrhythmogenic right ventricular dysplasia 11. Last evaluated: 2025-11-17. Review status: criteria provided, single submitter. Criteria: Invitae Variant Classification Sherloc (09022015). Collection method: clinical testing. Allele origin: germline.

All of Us Research Program, National Institutes of Health
Classification: Likely benign for Familial isolated arrhythmogenic right ventricular dysplasia. Last evaluated: 2023-03-09. Review status: criteria provided, single submitter. Criteria: ACMG Guidelines, 2015. Collection method: clinical testing. Allele origin: germline. Inheritance: Autosomal dominant inheritance. Observed: 1 variant allele, 1 heterozygote.
Comment: This study involves interpretation of variants in research participants for the purpose of population health screening. Participant phenotype was not available at the time of variant classification. Additional details can be found in publication PMID: 35346344, PMCID: PMC8962531

Color Diagnostics, LLC DBA Color Health
Classification: Likely benign for Cardiomyopathy. Last evaluated: 2022-11-06. Review status: criteria provided, single submitter. Criteria: ACMG Guidelines, 2015. Collection method: clinical testing. Allele origin: germline.

Ambry Genetics
Classification: Likely benign for Cardiovascular phenotype. Last evaluated: 2022-08-27. Review status: criteria provided, single submitter. Criteria: Ambry Variant Classification Scheme 2023. Collection method: clinical testing. Allele origin: germline.